The following is an entry in ClinVar:

ClinVar aggregate classification (germline): Benign (0 of 4 stars; one submission).

Conditions:
CILP-related disorder. Also called: CILP-related condition.

Allele frequency attached by ClinVar (database versions not stated): ESP Exome Variant Server 0.00015; gnomAD exomes 0.00058; 1000 Genomes Project 0.00100; 1000 Genomes Project 30x 0.00109; gnomAD 0.00111; TOPMed 0.00154; ExAC 0.00164.

Submission:

PreventionGenetics, part of Exact Sciences
Classification: Benign for CILP-related condition. Last evaluated: 2019-03-01. Review status: no assertion criteria provided. Collection method: clinical testing. Allele origin: germline.
Comment: This variant is classified as benign based on ACMG/AMP sequence variant interpretation guidelines (Richards et al. 2015 PMID: 25741868, with internal and published modifications).

NM_003613.4(CILP):c.1457C>T (p.Thr486Met)

Gene: CILP (cartilage intermediate layer protein; minus strand). Cytogenetic location: 15q22.31.
Variant type: single nucleotide variant.
Coding change: c.1457C>T on transcript NM_003613.4 (MANE Select); coding-DNA position 1457, C replaced by T.
Protein change: p.Thr486Met; replaces threonine 486 with methionine.
Molecular consequence: missense variant.
Genome position (GRCh38, 1-based): chr15:65,198,829, G>A on the plus strand (C>T on the coding strand, the complement: CILP is on the minus strand). VCF-style: chr15-65198829-G-A. GRCh37 (hg19) VCF-style: chr15-65491167-G-A.
Other names: short protein forms T486M.
Identifiers: ClinVar variation 3042257 (VCV003042257.2), dbSNP rs147228485, ClinGen allele CA7615511.
Genomic context (GRCh38, chr15:65,198,829, plus strand): 5'-CGCATGGGCTCCCCATTGTCAGCAGCACTGACACGGCCCCGCACGATGCTCCGAGTTTCC[G>A]TACACCGCTGGCAGCTGCACTCCTTGGCCACCTTGGTGGGTAGCGTGTAGCCACTGCACT-3'
Protein context (NP_003604.4, residues 476-496): VAKECSCQRC[Thr486Met]ETRSIVRGRV